The following is an entry in ClinVar:

ClinVar aggregate classification (germline): Benign/Likely benign. Review status: criteria provided, multiple submitters, no conflicts (2 of 4 stars). 4 submissions from 4 submitters: Benign (1); Likely benign (3). Last evaluated 2025-10-22.

Conditions:
Hereditary cancer-predisposing syndrome. Also called: Hereditary Cancer Syndrome; Tumor predisposition; Neoplastic Syndromes, Hereditary; Hereditary neoplastic syndrome. Identifiers: Orphanet 140162, MedGen C0027672, MeSH D009386, MONDO:0015356.
Breast-ovarian cancer, familial, susceptibility to, 3. Also called: RAD51C-Related Breast/Ovarian Cancer. Identifiers: Orphanet 145, MedGen C3150659, MONDO:0013253, OMIM 613399.
Fanconi anemia complementation group O. Also called: RAD51C-Related Fanconi Anemia. Identifiers: Orphanet 84, MedGen C3150653, MONDO:0013248, OMIM 613390.

Submissions (4):

Labcorp Genetics (formerly Invitae), Labcorp
Classification: Likely benign for Fanconi anemia complementation group O. Last evaluated: 2025-10-22. Review status: criteria provided, single submitter. Criteria: Invitae Variant Classification Sherloc (09022015). Collection method: clinical testing. Allele origin: germline.

Myriad Genetics, Inc.
Classification: Benign for Breast-ovarian cancer, familial, susceptibility to, 3. Last evaluated: 2025-02-14. Review status: criteria provided, single submitter. Criteria: Myriad Autosomal Dominant, Autosomal Recessive and X-Linked Classification Criteria (2023). Collection method: clinical testing. Allele origin: unknown.
Comment: This variant is considered benign. This variant is a silent/synonymous amino acid change and it is not expected to impact splicing.

Ambry Genetics
Classification: Likely benign for Hereditary cancer-predisposing syndrome. Last evaluated: 2021-11-03. Review status: criteria provided, single submitter. Criteria: Ambry Variant Classification Scheme 2023. Collection method: clinical testing. Allele origin: germline.

GeneDx
Classification: Likely benign. Last evaluated: 2018-01-04. Review status: criteria provided, single submitter. Criteria: GeneDx Variant Classification (06012015). Collection method: clinical testing. Allele origin: germline. Affected: yes.
Comment: This variant is considered likely benign or benign based on one or more of the following criteria: it is a conservative change, it occurs at a poorly conserved position in the protein, it is predicted to be benign by multiple in silico algorithms, and/or has population frequency not consistent with disease.

NM_058216.3(RAD51C):c.55C>T (p.Leu19=)

Gene: RAD51C (RAD51 paralog C; plus strand). Cytogenetic location: 17q22.
Variant type: single nucleotide variant.
Coding change: c.55C>T on transcript NM_058216.3 (MANE Select); coding-DNA position 55, C replaced by T.
Protein change: p.Leu19=; no amino-acid change (leucine 19 retained).
Molecular consequence: synonymous variant. On other transcripts: non-coding transcript variant (1).
Genome position (GRCh38, 1-based): chr17:58,692,698, C>T. VCF-style: chr17-58692698-C-T. GRCh37 (hg19) VCF-style: chr17-56770059-C-T.
Other names: c.55C>T, p.Leu19= (NM_002876.4).
Identifiers: ClinVar variation 514630 (VCV000514630.13), dbSNP rs1064796141, ClinGen allele CA501074348.